The following is an entry in ClinVar:

NM_005094.4(SLC27A4):c.1369del (p.Leu457fs)

Gene: SLC27A4 (solute carrier family 27 member 4; plus strand). Cytogenetic location: 9q34.11.
Variant type: Deletion.
Coding change: c.1369del on transcript NM_005094.4 (MANE Select); coding-DNA position 1369, one base deleted (C; older notation c.1369delC).
Protein change: p.Leu457fs; shifts the reading frame from leucine 457.
Molecular consequence: frameshift variant.
Genome position (GRCh38, 1-based): chr9:128,355,097, C deleted; the last of 5 consecutive C bases (chr9:128,355,093-128,355,097); deleting any one gives the same sequence. VCF-style (leftmost placement, unchanged base first): chr9-128355092-AC-A. GRCh37 (hg19) VCF-style: chr9-131117371-AC-A.
Other names: short protein forms L457fs.
Identifiers: ClinVar variation 2704779 (VCV002704779.3), dbSNP rs2539465699, ClinGen allele CA467286090.

ClinVar aggregate classification (germline): Pathogenic (1 of 4 stars; one submission).

Submission:

Labcorp Genetics (formerly Invitae), Labcorp
Classification: Pathogenic. Last evaluated: 2024-01-04. Review status: criteria provided, single submitter. Criteria: Invitae Variant Classification Sherloc (09022015). Collection method: clinical testing. Allele origin: germline.
Comment: This sequence change creates a premature translational stop signal (p.Leu457Cysfs*36) in the SLC27A4 gene. It is expected to result in an absent or disrupted protein product. Loss-of-function variants in SLC27A4 are known to be pathogenic (PMID: 19631310, 21450060). This variant is not present in population databases (gnomAD no frequency). This variant has not been reported in the literature in individuals affected with SLC27A4-related conditions. For these reasons, this variant has been classified as Pathogenic.

Literature cited by the submitters: PubMed 19631310; PubMed 21450060.